The following is an entry in ClinVar:

ClinVar aggregate classification (germline): Benign/Likely benign. Review status: criteria provided, multiple submitters, no conflicts (2 of 4 stars). 7 submissions from 7 submitters: Benign (1); Likely benign (5). 1 of the submissions does not count toward it. Last evaluated 2026-08-01.

Conditions:
DCPS-related disorder. Also called: DCPS-related condition.
Inborn genetic diseases. Identifiers: MedGen C0950123, MeSH D030342.
Al-Raqad syndrome. Identifiers: MedGen C4085595, MONDO:0014648, OMIM 616459.

Allele frequency attached by ClinVar (database versions not stated): 1000 Genomes Project 30x 0.00094; 1000 Genomes Project 0.00100; gnomAD 0.00402 and 0.00427; ExAC 0.00416; TOPMed 0.00429; gnomAD exomes 0.00447 and 0.00500; ESP Exome Variant Server 0.00546.
gnomAD v4.1: 7,922 of 1,613,898 alleles (0.49%); highest among the groups gnomAD compares: Non-Finnish European, 0.54%; 40 homozygotes.

Submissions (7):

CeGaT Center for Human Genetics Tuebingen
Classification: Likely benign. Last evaluated: 2026-08-01. Review status: criteria provided, single submitter. Criteria: CeGaT Center For Human Genetics Tuebingen Variant Classification Criteria Version 2. Collection method: clinical testing. Allele origin: germline. Affected: yes. Observed: 25 variant alleles.
Comment: DCPS: BP4, BS2

Ambry Genetics
Classification: Likely benign for Inborn genetic diseases. Last evaluated: 2021-10-18. Review status: criteria provided, single submitter. Criteria: Ambry Variant Classification Scheme 2023. Collection method: clinical testing. Allele origin: germline.

Labcorp Genetics (formerly Invitae), Labcorp
Classification: Benign. Last evaluated: 2019-12-31. Review status: criteria provided, single submitter. Criteria: Invitae Variant Classification Sherloc (09022015). Collection method: clinical testing. Allele origin: germline.

Mendelics
Classification: Likely benign for Al-Raqad syndrome. Last evaluated: 2019-05-28. Review status: criteria provided, single submitter. Criteria: Mendelics Assertion Criteria 2017. Collection method: clinical testing. Allele origin: unknown.

Center for Pediatric Genomic Medicine, Children's Mercy Hospital and Clinics
Classification: Likely benign. Last evaluated: 2016-07-13. Review status: criteria provided, single submitter. Criteria: ACMG Guidelines, 2015. Collection method: clinical testing. Allele origin: germline.
ClinVar note: Converted during submission from Likely Benign to Likely benign.

Breakthrough Genomics
Classification: Likely benign. Review status: criteria provided, single submitter. Criteria: ACMG Guidelines, 2015. Collection method: not provided. Allele origin: germline. Inheritance: Autosomal recessive inheritance. Affected: yes.

PreventionGenetics, part of Exact Sciences
Classification: Benign for DCPS-related condition. Last evaluated: 2020-02-07. Review status: no assertion criteria provided. Collection method: clinical testing. Allele origin: germline. Not counted in ClinVar's aggregate classification.
Comment: This variant is classified as benign based on ACMG/AMP sequence variant interpretation guidelines (Richards et al. 2015 PMID: 25741868, with internal and published modifications).

NM_014026.6(DCPS):c.677G>A (p.Gly226Asp)

Genes: DCPS (decapping enzyme, scavenger; plus strand), GSEC (G-quadruplex forming sequence containing lncRNA; minus strand). Cytogenetic location: 11q24.2.
Variant type: single nucleotide variant.
Coding change: c.677G>A on transcript NM_014026.6 (MANE Select); coding-DNA position 677, G replaced by A.
Protein change: p.Gly226Asp; replaces glycine 226 with aspartic acid.
Molecular consequence: missense variant.
Genome position (GRCh38, 1-based): chr11:126,343,347, G>A. VCF-style: chr11-126343347-G-A. GRCh37 (hg19) VCF-style: chr11-126213242-G-A.
Other names: c.698G>A, p.Gly233Asp (NM_001350236.2); c.677G>A (NM_014026.3); short protein forms G226D, G233D.
Identifiers: ClinVar variation 376909 (VCV000376909.36), dbSNP rs35836343, ClinGen allele CA6355101.